The following is an entry in ClinVar:

ClinVar aggregate classification (germline): Pathogenic. Review status: no assertion criteria provided (0 of 4 stars). 2 submissions from 2 submitters: Pathogenic (2). Last evaluated 2012-05-10.

Conditions:
Pseudo-Hurler polydystrophy. Also called: MUCOLIPIDOSIS IIIA; ML III; ML III ALPHA/BETA; Mucolipidosis III Alpha/Beta; ML IIIA; Type III Mucolipidosis. Identifiers: Orphanet 423461, Orphanet 577, MedGen C0033788, MONDO:0018931, OMIM 252600.

Submissions (2):

GeneReviews
Classification: Pathogenic for Mucolipidosis III Alpha/Beta. Last evaluated: 2012-05-10. Review status: no assertion criteria provided. Collection method: curation. Allele origin: unknown.
ClinVar note: Converted during submission from pathologic to Pathogenic.

OMIM
Classification: Pathogenic for MUCOLIPIDOSIS III ALPHA/BETA. Last evaluated: 2005-09-01. Review status: no assertion criteria provided. Collection method: literature only. Allele origin: germline.

Literature cited by the submitters: PubMed 16094673 (cited by OMIM).

NM_024312.5(GNPTAB):c.1220A>C (p.Asp407Ala)

Gene: GNPTAB (N-acetylglucosamine-1-phosphate transferase subunits alpha and beta; minus strand). Cytogenetic location: 12q23.2.
Variant type: single nucleotide variant.
Coding change: c.1220A>C on transcript NM_024312.5 (MANE Select); coding-DNA position 1220, A replaced by C.
Protein change: p.Asp407Ala; replaces aspartic acid 407 with alanine.
Molecular consequence: missense variant.
Genome position (GRCh38, 1-based): chr12:101,770,085, T>G on the plus strand (A>C on the coding strand, the complement: GNPTAB is on the minus strand). VCF-style: chr12-101770085-T-G. GRCh37 (hg19) VCF-style: chr12-102163863-T-G.
Other names: D407G; AY687932:c.1220A>C; short protein forms D407A.
Identifiers: ClinVar variation 2762 (VCV000002762.3), dbSNP rs137852895, ClinGen allele CA340006.